The following continues an entry in ClinVar:

NM_000059.4(BRCA2):c.3199del (p.Thr1067fs)

Gene: BRCA2. ClinVar aggregate classification (germline): Pathogenic. Pathogenic (1).

Submissions 11 to 23 of 23:

Color Diagnostics, LLC DBA Color Health
Classification: Pathogenic for Hereditary cancer-predisposing syndrome. Last evaluated: 2024-02-21. Review status: criteria provided, single submitter. Criteria: ACMG Guidelines, 2015. Collection method: clinical testing. Allele origin: germline. Not counted in ClinVar's aggregate classification.
Comment: This variant deletes 1 nucleotide in exon 11 of the BRCA2 gene, creating a frameshift and premature translation stop signal. This variant is expected to result in an absent or non-functional protein product. This variant has been detected in at least five individuals affected with breast and/or ovarian cancer (PMID: 25452441, 26843898, 28324225, 33471991; Leiden Open Variation Database DB-ID BRCA2_004463) and suspected hereditary breast and ovarian cancer families (PMID: 15131399, 15146557, 24156927). This variant has not been identified in the general population by the Genome Aggregation Database (gnomAD). Loss of BRCA2 function is a known mechanism of disease. Based on the available evidence, this variant is classified as Pathogenic.

Baylor Genetics
Classification: Pathogenic for Familial cancer of breast. Last evaluated: 2023-09-26. Review status: criteria provided, single submitter. Criteria: ACMG Guidelines, 2015. Collection method: clinical testing. Allele origin: unknown. Not counted in ClinVar's aggregate classification.

Quest Diagnostics Nichols Institute San Juan Capistrano
Classification: Pathogenic. Last evaluated: 2022-12-29. Review status: criteria provided, single submitter. Criteria: Quest Diagnostics criteria. Collection method: clinical testing. Allele origin: unknown. Not counted in ClinVar's aggregate classification.
Comment: This frameshift variant alters the translational reading frame of the BRCA2 mRNA and causes the premature termination of BRCA2 protein synthesis. This variant has not been reported in large, multi-ethnic general populations. In the published literature, the variant has been reported in individuals with breast cancer (PMID: 33471991 (2021), 25452441 (2015)), 15146557 (2004)), colorectal cancer (PMID: 28135145 (2017)) and ampullary cancer (PMID: 28135145 (2016)). Based on the available information, this variant is classified as pathogenic.

MGZ Medical Genetics Center
Classification: Pathogenic for Breast-ovarian cancer, familial, susceptibility to, 2. Last evaluated: 2022-07-15. Review status: criteria provided, single submitter. Criteria: ACMG Guidelines, 2015. Collection method: clinical testing. Allele origin: germline. Affected: yes. Observed: 1 variant allele. Not counted in ClinVar's aggregate classification.
Comment: ACMG criteria applied: PVS1, PS4_SUP, PM2_SUP

Institute for Clinical Genetics, University Hospital TU Dresden, University Hospital TU Dresden
Classification: Pathogenic. Last evaluated: 2022-06-14. Review status: criteria provided, single submitter. Criteria: ACMG Guidelines, 2015. Collection method: clinical testing. Allele origin: germline. Not counted in ClinVar's aggregate classification.
Comment: PVS1, PS4, PM2_SUP

CeGaT Center for Human Genetics Tuebingen
Classification: Pathogenic. Last evaluated: 2019-07-01. Review status: criteria provided, single submitter. Criteria: CeGaT Center For Human Genetics Tuebingen Variant Classification Criteria Version 2. Collection method: clinical testing. Allele origin: germline. Affected: yes. Observed: 2 variant alleles. Not counted in ClinVar's aggregate classification.

Human Genome Sequencing Center Clinical Lab, Baylor College of Medicine
Classification: Pathogenic for Familial breast-ovarian cancer 2. Last evaluated: 2019-02-28. Review status: criteria provided, single submitter. Criteria: ACMG Guidelines, 2015. Collection method: clinical testing. Allele origin: germline. Not counted in ClinVar's aggregate classification.
Comment: The c.3199delA (p.Thr1067Leufs*10) variant in the BRCA2 gene is predicted to introduce a premature translational termination codon. This variant has been observed in a Polish family affected with hereditary breast and ovarian cancer (PMID 15146557) and an individual affected with triple negative breast cancer (PMID 25452441). This variant has never been observed in general population databases. Therefore, we classify this c.3199delA (p.Thr1067Leufs*10) variant in the BRCA2 gene as pathogenic.

Institute for Biomarker Research, Medical Diagnostic Laboratories, L.L.C.
Classification: Pathogenic for Hereditary cancer-predisposing syndrome. Last evaluated: 2017-07-12. Review status: criteria provided, single submitter. Criteria: ACMG Guidelines, 2015. Collection method: clinical testing. Allele origin: germline. Not counted in ClinVar's aggregate classification.

Consortium of Investigators of Modifiers of BRCA1/2 (CIMBA), c/o University of Cambridge
Classification: Pathogenic for Breast-ovarian cancer, familial, susceptibility to, 2. Last evaluated: 2015-10-02. Review status: criteria provided, single submitter. Criteria: CIMBA Mutation Classification guidelines May 2016. Collection method: clinical testing. Allele origin: germline. Not counted in ClinVar's aggregate classification.

Medical Genetics Laboratory, Umraniye Training and Research Hospital, University of Health Sciences
Classification: Pathogenic for Breast carcinoma. Last evaluated: 2021-08-20. Review status: no assertion criteria provided. Collection method: clinical testing. Allele origin: germline. Affected: yes. Observed: 1 variant allele, 1 heterozygote. Not counted in ClinVar's aggregate classification.
Comment: Invasive Ductal Carcinoma Estrogen Receptor: Positive Progesterone Receptor: Positive HER2 Receptor: Positive

Research Molecular Genetics Laboratory, Women's College Hospital, University of Toronto
Classification: Pathogenic for Hereditary breast ovarian cancer syndrome. Last evaluated: 2014-01-31. Review status: no assertion criteria provided. Collection method: research. Allele origin: germline. Affected: yes. Study: The Canadian Open Genetics Repository (COGR). Not counted in ClinVar's aggregate classification.

Sharing Clinical Reports Project (SCRP)
Classification: Pathogenic for Breast-ovarian cancer, familial 2. Last evaluated: 2011-01-21. Review status: no assertion criteria provided. Collection method: clinical testing. Allele origin: germline. Not counted in ClinVar's aggregate classification.

Breast Cancer Information Core (BIC) (BRCA2)
Classification: Pathogenic for Breast-ovarian cancer, familial 2. Last evaluated: 2002-05-29. Review status: no assertion criteria provided. Collection method: clinical testing. Allele origin: germline. Affected: yes. Observed: 3 variant alleles. Not counted in ClinVar's aggregate classification.

Literature cited by the submitters: PubMed 15131399 (cited by 4 submitters); PubMed 15146557 (cited by 5 submitters); PubMed 24156927 (cited by 5 submitters); PubMed 25452441 (cited by 5 submitters); PubMed 26848151 (cited by Ambry Genetics and Quest Diagnostics Nichols Institute San Juan Capistrano); PubMed 28324225 (cited by 4 submitters); PubMed 33471991 (cited by 4 submitters); PubMed 20104584 (cited by Labcorp Genetics (formerly Invitae), Labcorp); PubMed 28135145 (cited by Labcorp Genetics (formerly Invitae), Labcorp and Quest Diagnostics Nichols Institute San Juan Capistrano); PubMed 34637943 (cited by Women's Health and Genetics/Laboratory Corporation of America, LabCorp and Quest Diagnostics Nichols Institute San Juan Capistrano); PubMed 26843898 (cited by 3 submitters).